The following is an entry in ClinVar:

ClinVar aggregate classification (germline): Conflicting classifications of pathogenicity. Review status: criteria provided, conflicting classifications (1 of 4 stars). 4 submissions from 4 submitters: Uncertain significance (2); Likely benign (1). 1 of the submissions does not count toward it. Last evaluated 2024-10-07.

Conditions:
DIAPH3-related disorder. Also called: DIAPH3-related condition.

Allele frequency attached by ClinVar (database versions not stated): TOPMed 0.00029; gnomAD 0.00033; ExAC 0.00035; ESP Exome Variant Server 0.00043; gnomAD exomes 0.00050.

Submissions (4):

Blueprint Genetics
Classification: Likely benign. Last evaluated: 2024-10-07. Review status: criteria provided, single submitter. Criteria: ACMG Guidelines, 2015. Collection method: clinical testing. Allele origin: germline.

Women's Health and Genetics/Laboratory Corporation of America, LabCorp
Classification: Uncertain significance. Last evaluated: 2024-06-13. Review status: criteria provided, single submitter. Criteria: LabCorp Variant Classification Summary - May 2015. Collection method: clinical testing. Allele origin: germline.
Comment: Variant summary: DIAPH3 c.2546delA (p.Tyr849SerfsX2) results in a premature termination codon, predicted to cause a truncation of the encoded protein or absence of the protein due to nonsense mediated decay, however the molecular mechanism of disease attributed to DIAPH3 is gain-of-function. The variant allele was found at a frequency of 0.00028 in 249228 control chromosomes. This frequency is not significantly higher than estimated for a pathogenic variant in DIAPH3 causing Autosomal Dominant Auditory Neuropathy 1, allowing no conclusion about variant significance. To our knowledge, no occurrence of c.2546delA in individuals affected with Autosomal Dominant Auditory Neuropathy 1 and no experimental evidence demonstrating its impact on protein function have been reported. ClinVar contains an entry for this variant (Variation ID: 2057865). Based on the evidence outlined above, the variant was classified as uncertain significance.

Labcorp Genetics (formerly Invitae), Labcorp
Classification: Uncertain significance. Last evaluated: 2024-03-12. Review status: criteria provided, single submitter. Criteria: Invitae Variant Classification Sherloc (09022015). Collection method: clinical testing. Allele origin: germline.
Comment: This sequence change creates a premature translational stop signal (p.Tyr849Serfs*2) in the DIAPH3 gene. It is expected to result in an absent or disrupted protein product. However, the current clinical and genetic evidence is not sufficient to establish whether loss-of-function variants in DIAPH3 cause disease. This variant is present in population databases (rs749295034, gnomAD 0.05%), and has an allele count higher than expected for a pathogenic variant. This variant has not been reported in the literature in individuals affected with DIAPH3-related conditions. ClinVar contains an entry for this variant (Variation ID: 2057865). In summary, the available evidence is currently insufficient to determine the role of this variant in disease. Therefore, it has been classified as a Variant of Uncertain Significance.

PreventionGenetics, part of Exact Sciences
Classification: Likely benign for DIAPH3-related condition. Last evaluated: 2023-07-10. Review status: no assertion criteria provided. Collection method: clinical testing. Allele origin: germline. Not counted in ClinVar's aggregate classification.
Comment: This variant is classified as likely benign based on ACMG/AMP sequence variant interpretation guidelines (Richards et al. 2015 PMID: 25741868, with internal and published modifications).

NM_001042517.2(DIAPH3):c.2546del (p.Tyr849fs)

Gene: DIAPH3 (diaphanous related formin 3; minus strand). Cytogenetic location: 13q21.2.
Variant type: Deletion.
Coding change: c.2546del on transcript NM_001042517.2 (MANE Select); coding-DNA position 2546, one base deleted (A; older notation c.2546delA).
Protein change: p.Tyr849fs; shifts the reading frame from tyrosine 849.
Molecular consequence: frameshift variant.
Genome position (GRCh38, 1-based): chr13:59,879,290, T deleted on the plus strand (A on the coding strand, the reverse complement: DIAPH3 is on the minus strand). VCF-style (leftmost placement, unchanged base first): chr13-59879289-GT-G. GRCh37 (hg19) VCF-style: chr13-60453423-GT-G.
Other names: c.2513del, p.Tyr838fs (NM_001258366.2); c.2408del, p.Tyr803fs (NM_001258367.2); c.2336del, p.Tyr779fs (NM_001258368.2); c.2546del, p.Tyr849fs (NM_001258369.2); c.1757del, p.Tyr586fs (NM_001258370.2, NM_030932.4); c.2546delA (NM_001042517.2); short protein forms Y586fs, Y779fs, Y803fs, Y838fs, Y849fs.
Identifiers: ClinVar variation 2057865 (VCV002057865.6), dbSNP rs749295034, ClinGen allele CA6996359.
Genomic context (GRCh38, chr13:59,879,289, plus strand): 5'-TTTACAGAGAGAGCTAAGGTTAAATCCGAAGGTTTGAGCATTCCGGGAGCCAGCATTCAT[GT>G]AGTTTCCCATTAGCAATACAAGTTCCAGCAACTTGCTAAAGCTTTTGCTCTTCTTTATCT-3'